The following is an entry in ClinVar:

NM_001113378.2(FANCI):c.568G>C (p.Glu190Gln)

Gene: FANCI (FA complementation group I; plus strand). Cytogenetic location: 15q26.1.
Variant type: single nucleotide variant.
Coding change: c.568G>C on transcript NM_001113378.2 (MANE Select); coding-DNA position 568, G replaced by C.
Protein change: p.Glu190Gln; replaces glutamic acid 190 with glutamine.
Molecular consequence: missense variant.
Genome position (GRCh38, 1-based): chr15:89,263,925, G>C. VCF-style: chr15-89263925-G-C. GRCh37 (hg19) VCF-style: chr15-89807156-G-C.
Other names: c.289G>C, p.Glu97Gln (NM_001376910.1); c.568G>C, p.Glu190Gln (NM_001376911.1, NM_018193.3); short protein forms E190Q, E97Q.
Identifiers: ClinVar variation 2185424 (VCV002185424.2), dbSNP rs1222133924, ClinGen allele CA393738915.

ClinVar aggregate classification (germline): Uncertain significance (1 of 4 stars; one submission).

Conditions:
Fanconi anemia (FA). Also called: Fanconi's anemia. Identifiers: Orphanet 84, MedGen C0015625, MeSH D005199, MONDO:0019391.

Allele frequency attached by ClinVar (database versions not stated): gnomAD 0.00001.
gnomAD v4.1: 7 of 1,613,982 alleles (0.00043%); highest among the groups gnomAD compares: Non-Finnish European, 0.00051%; no homozygotes.

Submission:

Labcorp Genetics (formerly Invitae), Labcorp
Classification: Uncertain significance for Fanconi anemia. Last evaluated: 2025-07-08. Review status: criteria provided, single submitter. Criteria: Invitae Variant Classification Sherloc (09022015). Collection method: clinical testing. Allele origin: germline.
Comment: This sequence change replaces glutamic acid, which is acidic and polar, with glutamine, which is neutral and polar, at codon 190 of the FANCI protein (p.Glu190Gln). This variant is present in population databases (no rsID available, gnomAD 0.007%). This variant has not been reported in the literature in individuals affected with FANCI-related conditions. ClinVar contains an entry for this variant (Variation ID: 2185424). Invitae Evidence Modeling of protein sequence and biophysical properties (such as structural, functional, and spatial information, amino acid conservation, physicochemical variation, residue mobility, and thermodynamic stability) indicates that this missense variant is expected to disrupt FANCI protein function with a positive predictive value of 80%. Algorithms developed to predict the effect of sequence changes on RNA splicing suggest that this variant may disrupt the consensus splice site. In summary, the available evidence is currently insufficient to determine the role of this variant in disease. Therefore, it has been classified as a Variant of Uncertain Significance.